The following is an entry in ClinVar:

NM_001182.5(ALDH7A1):c.393+1G>A

Gene: ALDH7A1 (aldehyde dehydrogenase 7 family member A1; minus strand). Cytogenetic location: 5q23.2.
Variant type: single nucleotide variant.
Coding change: c.393+1G>A on transcript NM_001182.5 (MANE Select); the canonical splice donor site of the intron after coding-DNA position 393, G replaced by A.
Molecular consequence: splice donor variant.
Genome position (GRCh38, 1-based): chr5:126,583,931, C>T on the plus strand (G>A on the coding strand, the complement: ALDH7A1 is on the minus strand). VCF-style: chr5-126583931-C-T. GRCh37 (hg19) VCF-style: chr5-125919623-C-T.
Other names: c.393+1G>A (NM_001202404.2); c.309+1G>A (NM_001201377.2).
Identifiers: ClinVar variation 1699443 (VCV001699443.4), dbSNP rs2112804344, ClinGen allele CA360731976.

ClinVar aggregate classification (germline): Likely pathogenic (1 of 4 stars; one submission).

Conditions:
Pyridoxine-dependent epilepsy (EPEO4). Also called: Pyridoxine-Dependent Epilepsy - ALDH7A1; PYRIDOXINE DEPENDENCY WITH SEIZURES; Pyridoxine-Dependent Seizures; EPILEPSY, EARLY-ONSET, 4, VITAMIN B6-DEPENDENT. Identifiers: Orphanet 3006, MedGen C1849508, MONDO:0009945, OMIM 266100. Disease mechanism: loss of function.

Submission:

Victorian Clinical Genetics Services, Murdoch Childrens Research Institute
Classification: Likely pathogenic for Pyridoxine-dependent epilepsy. Last evaluated: 2022-02-02. Review status: criteria provided, single submitter. Criteria: ACMG Guidelines, 2015. Collection method: clinical testing. Allele origin: germline. Inheritance: Autosomal recessive inheritance.
Comment: Based on the classification scheme VCGS_Germline_v1.3.4, this variant is classified as likely pathogenic. Following criteria are met: 0102 - Loss of function is a known mechanism of disease in this gene and is associated with epilepsy, pyridoxine-dependent (MIM#266100). (I) 0106 - This gene is associated with autosomal recessive disease. (I) 0211 - Canonical splice site variant without proven consequence on splicing (no functional evidence available). (SP) 0251 - This variant is heterozygous. (I) 0301 - Variant is absent from gnomAD (both v2 and v3). (SP) 0508 - In silico predictions for abnormal splicing are conflicting. (I) 0705 - No comparable canonical splice site variants have previous evidence for pathogenicity. (I) 0803 - This variant has limited previous evidence of pathogenicity in an unrelated individuals. This variant has been reported homozygous in one individual with pyridoxine-dependent epilepsy (PMID: 28131559). (SP) 0905 - No published segregation evidence has been identified for this variant. (I) 1007 - No published functional evidence has been identified for this variant. (I) 1208 - Inheritance information for this variant is not currently available in this individual. (I)

Literature cited by the submitters: PubMed 28131559.